The following is an entry in ClinVar:

ClinVar aggregate classification (germline): Uncertain significance. Review status: criteria provided, multiple submitters, no conflicts (2 of 4 stars). 2 submissions from 2 submitters: Uncertain significance (2). Last evaluated 2024-03-13.

Allele frequency attached by ClinVar (database versions not stated): ExAC 0.00001; gnomAD 0.00001; gnomAD exomes 0.00001.
gnomAD v4.1: 32 of 1,613,526 alleles (0.002%); highest among the groups gnomAD compares: African/African-American, 0.004%; no homozygotes.

Submissions (2):

Labcorp Genetics (formerly Invitae), Labcorp
Classification: Uncertain significance. Last evaluated: 2024-03-13. Review status: criteria provided, single submitter. Criteria: Invitae Variant Classification Sherloc (09022015). Collection method: clinical testing. Allele origin: germline.
Comment: This sequence change replaces aspartic acid, which is acidic and polar, with asparagine, which is neutral and polar, at codon 589 of the IMPG1 protein (p.Asp589Asn). This variant is present in population databases (rs752856075, gnomAD 0.003%). This variant has not been reported in the literature in individuals affected with IMPG1-related conditions. ClinVar contains an entry for this variant (Variation ID: 1494262). Algorithms developed to predict the effect of missense changes on protein structure and function output the following: SIFT: "Not Available"; PolyPhen-2: "Benign"; Align-GVGD: "Not Available". The asparagine amino acid residue is found in multiple mammalian species, which suggests that this missense change does not adversely affect protein function. In summary, the available evidence is currently insufficient to determine the role of this variant in disease. Therefore, it has been classified as a Variant of Uncertain Significance.

GeneDx
Classification: Uncertain significance. Last evaluated: 2023-03-07. Review status: criteria provided, single submitter. Criteria: GeneDx Variant Classification Process June 2021. Collection method: clinical testing. Allele origin: germline. Affected: yes.
Comment: In silico analysis supports that this missense variant has a deleterious effect on protein structure/function; Has not been previously published as pathogenic or benign to our knowledge

NM_001563.4(IMPG1):c.1765G>A (p.Asp589Asn)

Gene: IMPG1 (interphotoreceptor matrix proteoglycan 1; minus strand). Cytogenetic location: 6q14.1.
Variant type: single nucleotide variant.
Coding change: c.1765G>A on transcript NM_001563.4 (MANE Select); coding-DNA position 1765, G replaced by A.
Protein change: p.Asp589Asn; replaces aspartic acid 589 with asparagine.
Molecular consequence: missense variant.
Genome position (GRCh38, 1-based): chr6:75,950,621, C>T on the plus strand (G>A on the coding strand, the complement: IMPG1 is on the minus strand). VCF-style: chr6-75950621-C-T. GRCh37 (hg19) VCF-style: chr6-76660338-C-T.
Other names: c.1765G>A (NM_001563.3); c.1531G>A, p.Asp511Asn (NM_001282368.2); short protein forms D589N, D511N.
Identifiers: ClinVar variation 1494262 (VCV001494262.7), dbSNP rs752856075, ClinGen allele CA3898058.